The following is an entry in ClinVar:

ClinVar aggregate classification (germline): Uncertain significance (1 of 4 stars; one submission).

gnomAD v4.1: 4 of 1,593,018 alleles (0.00025%); highest among the groups gnomAD compares: Non-Finnish European, 0.00034%; no homozygotes.

Submission:

GeneDx
Classification: Uncertain significance. Last evaluated: 2025-05-07. Review status: criteria provided, single submitter. Criteria: GeneDx Variant Classification Process June 2021. Collection method: clinical testing. Allele origin: germline. Affected: yes.
Comment: Not observed at significant frequency in large population cohorts (gnomAD); In silico analysis supports that this missense variant has a deleterious effect on protein structure/function; Has not been previously published as pathogenic or benign to our knowledge

NM_014991.6(WDFY3):c.7865A>G (p.Tyr2622Cys)

Gene: WDFY3 (WD repeat and FYVE domain containing 3; minus strand). Cytogenetic location: 4q21.23.
Variant type: single nucleotide variant.
Coding change: c.7865A>G on transcript NM_014991.6 (MANE Select); coding-DNA position 7865, A replaced by G.
Protein change: p.Tyr2622Cys; replaces tyrosine 2622 with cysteine.
Molecular consequence: missense variant.
Genome position (GRCh38, 1-based): chr4:84,716,906, T>C on the plus strand (A>G on the coding strand, the complement: WDFY3 is on the minus strand). VCF-style: chr4-84716906-T-C. GRCh37 (hg19) VCF-style: chr4-85638059-T-C.
Other names: short protein forms Y2622C.
Identifiers: ClinVar variation 4527835 (VCV004527835.1).